The following is an entry in ClinVar:

ClinVar aggregate classification (germline): Uncertain significance (1 of 4 stars; one submission).

Conditions:
Inborn genetic diseases. Identifiers: MedGen C0950123, MeSH D030342.

Submission:

Ambry Genetics
Classification: Uncertain significance for Inborn genetic diseases. Last evaluated: 2026-04-25. Review status: criteria provided, single submitter. Criteria: Ambry Variant Classification Scheme 2023. Collection method: clinical testing. Allele origin: germline.
Comment: The p.M573T variant (also known as c.1718T>C), located in coding exon 16 of the DDX41 gene, results from a T to C substitution at nucleotide position 1718. The methionine at codon 573 is replaced by threonine, an amino acid with similar properties. This amino acid position is conserved. In addition, the in silico prediction for this alteration is inconclusive. Based on the available evidence, the clinical significance of this variant remains unclear.

NM_016222.4(DDX41):c.1718T>C (p.Met573Thr)

Gene: DDX41 (DEAD-box helicase 41; minus strand). Cytogenetic location: 5q35.3.
Variant type: single nucleotide variant.
Coding change: c.1718T>C on transcript NM_016222.4 (MANE Select); coding-DNA position 1718, T replaced by C.
Protein change: p.Met573Thr; replaces methionine 573 with threonine.
Molecular consequence: missense variant.
Genome position (GRCh38, 1-based): chr5:177,512,110, A>G on the plus strand (T>C on the coding strand, the complement: DDX41 is on the minus strand). VCF-style: chr5-177512110-A-G. GRCh37 (hg19) VCF-style: chr5-176939111-A-G.
Other names: c.1340T>C, p.Met447Thr (NM_001321732.2, NM_001321830.2); short protein forms M447T, M573T.
Identifiers: ClinVar variation 4869652 (VCV004869652.1).